The following is an entry in ClinVar:

ClinVar aggregate classification (germline): Uncertain significance (1 of 4 stars; one submission).

Conditions:
Dyskeratosis congenita, autosomal recessive 6 (DKCB6). Identifiers: MedGen C4225356, MONDO:0014600, OMIM 616353.
Pulmonary fibrosis and/or bone marrow failure, Telomere-related, 4. Also called: PULMONARY FIBROSIS AND/OR BONE MARROW FAILURE SYNDROME, TELOMERE-RELATED, 4. Identifiers: Orphanet 2032, MedGen C4225347, MONDO:0014612, OMIM 616371.

Allele frequency attached by ClinVar (database versions not stated): gnomAD exomes below 0.00001.
gnomAD v4.1: 1 of 1,613,492 alleles (0.000062%); highest among the groups gnomAD compares: Non-Finnish European, 0.000085%; no homozygotes.

Submission:

Labcorp Genetics (formerly Invitae), Labcorp
Classification: Uncertain significance for Dyskeratosis congenita, autosomal recessive 6; Pulmonary fibrosis and/or bone marrow failure, Telomere-related, 4. Last evaluated: 2023-05-12. Review status: criteria provided, single submitter. Criteria: Invitae Variant Classification Sherloc (09022015). Collection method: clinical testing. Allele origin: germline.
Comment: This sequence change replaces isoleucine, which is neutral and non-polar, with methionine, which is neutral and non-polar, at codon 19 of the PARN protein (p.Ile19Met). This variant is not present in population databases (gnomAD no frequency). This variant has not been reported in the literature in individuals affected with PARN-related conditions. In summary, the available evidence is currently insufficient to determine the role of this variant in disease. Therefore, it has been classified as a Variant of Uncertain Significance. Advanced modeling of protein sequence and biophysical properties (such as structural, functional, and spatial information, amino acid conservation, physicochemical variation, residue mobility, and thermodynamic stability) performed at Invitae indicates that this missense variant is expected to disrupt PARN protein function. ClinVar contains an entry for this variant (Variation ID: 998458).

NM_002582.4(PARN):c.57A>G (p.Ile19Met)

Gene: PARN (poly(A)-specific ribonuclease; minus strand). Cytogenetic location: 16p13.12.
Variant type: single nucleotide variant.
Coding change: c.57A>G on transcript NM_002582.4 (MANE Select); coding-DNA position 57, A replaced by G.
Protein change: p.Ile19Met; replaces isoleucine 19 with methionine.
Molecular consequence: missense variant. On other transcripts: 5 prime UTR variant (1).
Genome position (GRCh38, 1-based): chr16:14,629,637, T>C on the plus strand (A>G on the coding strand, the complement: PARN is on the minus strand). VCF-style: chr16-14629637-T-C. GRCh37 (hg19) VCF-style: chr16-14723494-T-C.
Other names: c.-127A>G (NM_001134477.3); c.57A>G, p.Ile19Met (NM_001242992.2); short protein forms I19M.
Identifiers: ClinVar variation 998458 (VCV000998458.13), dbSNP rs1972904968, ClinGen allele CA394818363.